The following is an entry in ClinVar:

NM_000159.4(GCDH):c.529T>C (p.Phe177Leu)

Gene: GCDH (glutaryl-CoA dehydrogenase; plus strand). Cytogenetic location: 19p13.13.
Variant type: single nucleotide variant.
Coding change: c.529T>C on transcript NM_000159.4 (MANE Select); coding-DNA position 529, T replaced by C.
Protein change: p.Phe177Leu; replaces phenylalanine 177 with leucine.
Molecular consequence: missense variant. On other transcripts: non-coding transcript variant (2).
Genome position (GRCh38, 1-based): chr19:12,896,015, T>C. VCF-style: chr19-12896015-T-C. GRCh37 (hg19) VCF-style: chr19-13006829-T-C.
Other names: c.529T>C, p.Phe177Leu (NM_013976.5); short protein forms F177L.
Identifiers: ClinVar variation 4525816 (VCV004525816.1).
Genomic context (GRCh38, chr19:12,896,015, plus strand): 5'-GACCAGGCAGCCTTGTGACTTTGTCTTGTGCCTGCAGCCAAGGGGGAGCTCCTGGGCTGC[T>C]TCGGGCTCACAGAGCCCAACAGCGGAAGTGACCCCAGCAGCATGGAGACCAGAGCCCACT-3'
Protein context (NP_000150.1, residues 167-187): QLAKGELLGC[Phe177Leu]GLTEPNSGSD

ClinVar aggregate classification (germline): Uncertain significance (1 of 4 stars; one submission).

Submission:

Women's Health and Genetics/Laboratory Corporation of America, LabCorp
Classification: Uncertain significance. Last evaluated: 2025-07-17. Review status: criteria provided, single submitter. Criteria: LabCorp Variant Classification Summary - May 2015. Collection method: clinical testing. Allele origin: germline.
Comment: Variant summary: GCDH c.529T>C (p.Phe177Leu) results in a non-conservative amino acid change in the encoded protein sequence. Algorithms developed to predict the effect of missense changes on protein structure and function all suggest that this variant is likely to be disruptive. The variant was absent in 251268 control chromosomes. The available data on variant occurrences in the general population are insufficient to allow any conclusion about variant significance. To our knowledge, no occurrence of c.529T>C in individuals affected with Glutaric Acidemia Type 1 and no experimental evidence demonstrating its impact on protein function have been reported. No submitters have cited clinical-significance assessments for this variant to ClinVar. Based on the evidence outlined above, the variant was classified as uncertain significance.